The following is an entry in ClinVar:

NM_001370298.3(FGD4):c.1715G>A (p.Arg572Gln)

Gene: FGD4 (FYVE, RhoGEF and PH domain containing 4; plus strand). Cytogenetic location: 12p11.21.
Variant type: single nucleotide variant.
Coding change: c.1715G>A on transcript NM_001370298.3 (MANE Select); coding-DNA position 1715, G replaced by A.
Protein change: p.Arg572Gln; replaces arginine 572 with glutamine.
Molecular consequence: missense variant.
Genome position (GRCh38, 1-based): chr12:32,611,249, G>A. VCF-style: chr12-32611249-G-A. GRCh37 (hg19) VCF-style: chr12-32764183-G-A.
Other names: c.1559G>A, p.Arg520Gln (NM_001304481.2); c.560G>A, p.Arg187Gln (NM_001304483.2); c.272G>A, p.Arg91Gln (NM_001304484.2); c.1025G>A, p.Arg342Gln (NM_001330373.2, NM_001330374.2, NM_001384130.1); c.752G>A, p.Arg251Gln (NM_001370297.1); c.1715G>A, p.Arg572Gln (NM_001384126.1); c.1304G>A, p.Arg435Gln (NM_001384127.1, NM_001384128.1, NM_001385118.1 and 1 more transcripts); short protein forms R187Q, R251Q, R342Q, R435Q, R520Q, R572Q, R91Q.
Identifiers: ClinVar variation 1708805 (VCV001708805.4), dbSNP rs762788330, ClinGen allele CA6506859.

ClinVar aggregate classification (germline): Uncertain significance. Review status: criteria provided, multiple submitters, no conflicts (2 of 4 stars). 2 submissions from 2 submitters: Uncertain significance (2). Last evaluated 2025-01-30.

Conditions:
Charcot-Marie-Tooth disease type 4. Also called: Charcot-Marie-Tooth disease, type IV; Charcot-Marie-Tooth, Type 4. Identifiers: Orphanet 64749, MedGen C4082197, MONDO:0018995.

Allele frequency attached by ClinVar (database versions not stated): gnomAD exomes below 0.00001; ExAC 0.00001.
gnomAD v4.1: 7 of 1,614,138 alleles (0.00043%); highest among the groups gnomAD compares: South Asian, 0.0011%; no homozygotes.

Submissions (2):

Labcorp Genetics (formerly Invitae), Labcorp
Classification: Uncertain significance for Charcot-Marie-Tooth disease type 4. Last evaluated: 2025-01-30. Review status: criteria provided, single submitter. Criteria: Invitae Variant Classification Sherloc (09022015). Collection method: clinical testing. Allele origin: germline.
Comment: This sequence change replaces arginine, which is basic and polar, with glutamine, which is neutral and polar, at codon 435 of the FGD4 protein (p.Arg435Gln). This variant is present in population databases (rs762788330, gnomAD 0.003%). This missense change has been observed in individual(s) with clinical features of FGD4-related conditions (PMID: 28543957; internal data). In at least one individual the data is consistent with being in trans (on the opposite chromosome) from a pathogenic variant. ClinVar contains an entry for this variant (Variation ID: 1708805). Invitae Evidence Modeling of protein sequence and biophysical properties (such as structural, functional, and spatial information, amino acid conservation, physicochemical variation, residue mobility, and thermodynamic stability) has been performed for this missense variant. However, the output from this modeling did not meet the statistical confidence thresholds required to predict the impact of this variant on FGD4 protein function. This variant disrupts the p.Arg435 amino acid residue in FGD4. Other variant(s) that disrupt this residue have been observed in individuals with FGD4-related conditions (PMID: 32941234), which suggests that this may be a clinically significant amino acid residue. In summary, the available evidence is currently insufficient to determine the role of this variant in disease. Therefore, it has been classified as a Variant of Uncertain Significance.

GeneDx
Classification: Uncertain significance. Last evaluated: 2022-04-07. Review status: criteria provided, single submitter. Criteria: GeneDx Variant Classification Process June 2021. Collection method: clinical testing. Allele origin: germline. Affected: yes.
Comment: Not observed at significant frequency in large population cohorts (gnomAD); In silico analysis supports that this missense variant has a deleterious effect on protein structure/function; Has not been previously published as pathogenic or benign to our knowledge; This variant is associated with the following publications: (PMID: 22734899)

Literature cited by the submitters: PubMed 28543957 (cited by Labcorp Genetics (formerly Invitae), Labcorp); PubMed 32941234 (cited by Labcorp Genetics (formerly Invitae), Labcorp).